The following is an entry in ClinVar:

NM_015040.4(PIKFYVE):c.5434+12A>T

Gene: PIKFYVE (phosphoinositide kinase, FYVE-type zinc finger containing; plus strand). Cytogenetic location: 2q34.
Variant type: single nucleotide variant.
Coding change: c.5434+12A>T on transcript NM_015040.4 (MANE Select); 12 bases into the intron after coding-DNA position 5434, A replaced by T.
Molecular consequence: intron variant.
Genome position (GRCh38, 1-based): chr2:208,350,095, A>T. VCF-style: chr2-208350095-A-T. GRCh37 (hg19) VCF-style: chr2-209214819-A-T.
Identifiers: ClinVar variation 895568 (VCV000895568.4), dbSNP rs182134444, ClinGen allele CA2080630.
Genomic context (GRCh38, chr2:208,350,095, plus strand): 5'-GGAGGAGATACACAAAAGAAGCAACTCATAAATCCTCATGTGGAACTTCGTAAGTATGAG[A>T]TATTATATCATTGGTTTGGGGAGAGGGACTACAGTTGAGCCATCTCTATTATTTGAGAAT-3'

ClinVar aggregate classification (germline): Benign (1 of 4 stars; one submission).

Conditions:
Fleck corneal dystrophy (CFD). Also called: CORNEAL DYSTROPHY, FRANCOIS-NEETENS SPECKLED OR FLECKED. Identifiers: Orphanet 98970, MedGen C1562113, MONDO:0007376, OMIM 121850.

Allele frequency attached by ClinVar (database versions not stated): gnomAD 0.00011 and 0.00014; gnomAD exomes 0.00012 and 0.00039; TOPMed 0.00020; ExAC 0.00037; 1000 Genomes Project 0.00120.
gnomAD v4.1: 198 of 1,612,378 alleles (0.012%); highest among the groups gnomAD compares: East Asian, 0.42%; no homozygotes.

Submission:

Illumina Laboratory Services, Illumina
Classification: Benign for Fleck corneal dystrophy. Last evaluated: 2018-01-13. Review status: criteria provided, single submitter. Criteria: ICSL Variant Classification Criteria 13 December 2019. Collection method: clinical testing. Allele origin: germline.
Comment: This variant was observed in the ICSL laboratory as part of a predisposition screen in an ostensibly healthy population. It had not been previously curated by ICSL or reported in the Human Gene Mutation Database (HGMD: prior to June 1st, 2018), and was therefore a candidate for classification through an automated scoring system. Utilizing variant allele frequency, disease prevalence and penetrance estimates, and inheritance mode, an automated score was calculated to assess if this variant is too frequent to cause the disease. Based on the score and internal cut-off values, a variant classified as benign is not then subjected to further curation. The score for this variant resulted in a classification of benign for this disease.